The following is an entry in ClinVar:

NM_153717.3(EVC):c.155del (p.Arg52fs)

Gene: EVC (EvC ciliary complex subunit 1; plus strand). Cytogenetic location: 4p16.2.
Variant type: Deletion.
Coding change: c.155del on transcript NM_153717.3 (MANE Select); coding-DNA position 155, one base deleted (G; older notation c.155delG).
Protein change: p.Arg52fs; shifts the reading frame from arginine 52.
Molecular consequence: frameshift variant.
Genome position (GRCh38, 1-based): chr4:5,711,535, G deleted. VCF-style (leftmost placement, unchanged base first): chr4-5711534-CG-C. GRCh37 (hg19) VCF-style: chr4-5713261-CG-C.
Other names: c.155del, p.Arg52fs (NM_001306090.2, NM_001306092.2); short protein forms R52fs.
Identifiers: ClinVar variation 848615 (VCV000848615.9), dbSNP rs1439712140, ClinGen allele CA796573365.

ClinVar aggregate classification (germline): Pathogenic. Review status: criteria provided, multiple submitters, no conflicts (2 of 4 stars). 2 submissions from 2 submitters: Pathogenic (2). Last evaluated 2023-12-30.

Conditions:
Ellis-van Creveld syndrome (EVC). Also called: MESOECTODERMAL DYSPLASIA; Chondroectodermal dysplasia. Identifiers: Orphanet 289, MedGen C0013903, MONDO:0009162, OMIM 225500.
Curry-Hall syndrome (WAD). Also called: WEYERS ACRODENTAL DYSOSTOSIS. Identifiers: Orphanet 952, MedGen C0457013, MONDO:0008673, OMIM 193530.

Allele frequency attached by ClinVar (database versions not stated): TOPMed below 0.00001.

Submissions (2):

Myriad Genetics, Inc.
Classification: Pathogenic for Ellis-van Creveld syndrome. Last evaluated: 2023-12-30. Review status: criteria provided, single submitter. Criteria: Myriad Autosomal Dominant, Autosomal Recessive and X-Linked Classification Criteria (2023). Collection method: clinical testing. Allele origin: unknown.
Comment: NM_153717.2(EVC):c.155delG(R52Pfs*64) is expected to be pathogenic in the context of EVC-related Ellis-van Creveld syndrome. This variant is predicted to lead to an abnormal or absent protein product due to the creation of a premature termination codon in EVC, a gene where loss-of-function variants are known to be pathogenic. Please note: this variant was assessed in the context of healthy population screening.

Labcorp Genetics (formerly Invitae), Labcorp
Classification: Pathogenic for Curry-Hall syndrome; Ellis-van Creveld syndrome. Last evaluated: 2019-01-26. Review status: criteria provided, single submitter. Criteria: Invitae Variant Classification Sherloc (09022015). Collection method: clinical testing. Allele origin: germline.
Comment: This variant has not been reported in the literature in individuals with EVC-related conditions. The frequency data for this variant in the population databases is considered unreliable, as metrics indicate insufficient coverage at this position in the ExAC database. This sequence change creates a premature translational stop signal (p.Arg52Profs*64) in the EVC gene. It is expected to result in an absent or disrupted protein product. For these reasons, this variant has been classified as Pathogenic. Loss-of-function variants in EVC are known to be pathogenic (PMID: 23220543).

Literature cited by the submitters: PubMed 23220543 (cited by Labcorp Genetics (formerly Invitae), Labcorp).